The following is an entry in ClinVar:

NM_005559.4(LAMA1):c.6760G>A (p.Gly2254Arg)

Gene: LAMA1 (laminin subunit alpha 1; minus strand). Cytogenetic location: 18p11.31.
Variant type: single nucleotide variant.
Coding change: c.6760G>A on transcript NM_005559.4 (MANE Select); coding-DNA position 6760, G replaced by A.
Protein change: p.Gly2254Arg; replaces glycine 2254 with arginine.
Molecular consequence: missense variant.
Genome position (GRCh38, 1-based): chr18:6,973,071, C>T on the plus strand (G>A on the coding strand, the complement: LAMA1 is on the minus strand). VCF-style: chr18-6973071-C-T. GRCh37 (hg19) VCF-style: chr18-6973070-C-T.
Other names: short protein forms G2254R.
Identifiers: ClinVar variation 1418353 (VCV001418353.10), dbSNP rs140199044, ClinGen allele CA8881140.

ClinVar aggregate classification (germline): Uncertain significance. Review status: criteria provided, multiple submitters, no conflicts (2 of 4 stars). 3 submissions from 3 submitters: Uncertain significance (3). Last evaluated 2025-08-04.

Conditions:
Inborn genetic diseases. Identifiers: MedGen C0950123, MeSH D030342.

Allele frequency attached by ClinVar (database versions not stated): gnomAD exomes 0.00009 and 0.00029; ExAC 0.00012; TOPMed 0.00016; gnomAD 0.00017; ESP Exome Variant Server 0.00046.
gnomAD v4.1: 453 of 1,614,040 alleles (0.028%); highest among the groups gnomAD compares: Non-Finnish European, 0.036%; no homozygotes.

Submissions (3):

Labcorp Genetics (formerly Invitae), Labcorp
Classification: Uncertain significance. Last evaluated: 2025-08-04. Review status: criteria provided, single submitter. Criteria: Invitae Variant Classification Sherloc (09022015). Collection method: clinical testing. Allele origin: germline.
Comment: This sequence change replaces glycine, which is neutral and non-polar, with arginine, which is basic and polar, at codon 2254 of the LAMA1 protein (p.Gly2254Arg). This variant is present in population databases (rs140199044, gnomAD 0.02%). This variant has not been reported in the literature in individuals affected with LAMA1-related conditions. ClinVar contains an entry for this variant (Variation ID: 1418353). Invitae Evidence Modeling of protein sequence and biophysical properties (such as structural, functional, and spatial information, amino acid conservation, physicochemical variation, residue mobility, and thermodynamic stability) indicates that this missense variant is expected to disrupt LAMA1 protein function with a positive predictive value of 80%. In summary, the available evidence is currently insufficient to determine the role of this variant in disease. Therefore, it has been classified as a Variant of Uncertain Significance.

Ambry Genetics
Classification: Uncertain significance for Inborn genetic diseases. Last evaluated: 2025-05-20. Review status: criteria provided, single submitter. Criteria: Ambry Variant Classification Scheme 2023. Collection method: clinical testing. Allele origin: germline.

GeneDx
Classification: Uncertain significance. Last evaluated: 2024-08-12. Review status: criteria provided, single submitter. Criteria: GeneDx Variant Classification Process June 2021. Collection method: clinical testing. Allele origin: germline. Affected: yes.
Comment: In silico analysis supports that this missense variant has a deleterious effect on protein structure/function; Has not been previously published as pathogenic or benign to our knowledge